The following is an entry in ClinVar:

ClinVar aggregate classification (germline): Uncertain significance. Review status: criteria provided, multiple submitters, no conflicts (2 of 4 stars). 4 submissions from 4 submitters: Uncertain significance (4). Last evaluated 2025-10-13.

Conditions:
Glycogen storage disease type III (GSD3). Also called: Cori disease; FORBES DISEASE. Identifiers: Orphanet 366, MedGen C0017922, MONDO:0009291, OMIM 232400.

Allele frequency attached by ClinVar (database versions not stated): TOPMed below 0.00001.

Submissions (4):

Labcorp Genetics (formerly Invitae), Labcorp
Classification: Uncertain significance for Glycogen storage disease type III. Last evaluated: 2025-10-13. Review status: criteria provided, single submitter. Criteria: Invitae Variant Classification Sherloc (09022015). Collection method: clinical testing. Allele origin: germline.
Comment: This sequence change replaces lysine, which is basic and polar, with asparagine, which is neutral and polar, at codon 191 of the AGL protein (p.Lys191Asn). This variant is present in population databases (rs781491884, gnomAD 0.006%). This variant has not been reported in the literature in individuals affected with AGL-related conditions. ClinVar contains an entry for this variant (Variation ID: 871863). An algorithm developed to predict the effect of missense changes on protein structure and function (PolyPhen-2) suggests that this variant is likely to be tolerated. In summary, the available evidence is currently insufficient to determine the role of this variant in disease. Therefore, it has been classified as a Variant of Uncertain Significance.

Genome-Nilou Lab
Classification: Uncertain significance for Glycogen storage disease type III. Last evaluated: 2021-07-15. Review status: criteria provided, single submitter. Criteria: ACMG Guidelines, 2015. Collection method: clinical testing. Allele origin: germline. Affected: no.

CeGaT Center for Human Genetics Tuebingen
Classification: Uncertain significance. Last evaluated: 2019-12-01. Review status: criteria provided, single submitter. Criteria: CeGaT Center For Human Genetics Tuebingen Variant Classification Criteria Version 2. Collection method: clinical testing. Allele origin: germline. Affected: yes. Observed: 1 variant allele.

Illumina Laboratory Services, Illumina
Classification: Uncertain significance for Glycogen storage disease type III. Last evaluated: 2018-01-12. Review status: criteria provided, single submitter. Criteria: ICSL Variant Classification Criteria 13 December 2019. Collection method: clinical testing. Allele origin: germline.

NM_000642.3(AGL):c.573G>C (p.Lys191Asn)

Gene: AGL (amylo-alpha-1,6-glucosidase and 4-alpha-glucanotransferase; plus strand). Cytogenetic location: 1p21.2.
Variant type: single nucleotide variant.
Coding change: c.573G>C on transcript NM_000642.3 (MANE Select); coding-DNA position 573, G replaced by C.
Protein change: p.Lys191Asn; replaces lysine 191 with asparagine.
Molecular consequence: missense variant.
Genome position (GRCh38, 1-based): chr1:99,864,498, G>C. VCF-style: chr1-99864498-G-C. GRCh37 (hg19) VCF-style: chr1-100330054-G-C.
Other names: c.573G>C, p.Lys191Asn (NM_000028.3, NM_000643.3, NM_000644.3 and 3 more transcripts); c.525G>C, p.Lys175Asn (NM_000646.3); c.195G>C, p.Lys65Asn (NM_001425332.1); short protein forms K191N, K175N, K65N.
Identifiers: ClinVar variation 871863 (VCV000871863.51), dbSNP rs781491884, ClinGen allele CA966209.